The following is an entry in ClinVar:

NM_001142864.4(PIEZO1):c.2473G>A (p.Val825Met)

Genes: HSALR1 (HSP90AB1 associated lncRNA 1; plus strand), PIEZO1 (piezo type mechanosensitive ion channel component 1 (Er blood group); minus strand). Cytogenetic location: 16q24.3.
Variant type: single nucleotide variant.
Coding change: c.2473G>A on transcript NM_001142864.4 (MANE Select); coding-DNA position 2473, G replaced by A.
Protein change: p.Val825Met; replaces valine 825 with methionine.
Molecular consequence: missense variant.
Genome position (GRCh38, 1-based): chr16:88,733,602, C>T on the plus strand (G>A on the coding strand, the complement: PIEZO1 is on the minus strand). VCF-style: chr16-88733602-C-T. GRCh37 (hg19) VCF-style: chr16-88800010-C-T.
Other names: p.Val825Met; short protein forms V825M.
Identifiers: ClinVar variation 4542094 (VCV004542094.1).
Genomic context (GRCh38, chr16:88,733,602, plus strand): 5'-AGCGACCCCACCCCAGATGGGAAGCTGAGTTGCCTGCCACACTCACCTCCTTCAGGGCCA[C>T]CCAGACGGTGTACAGGGCCACCAGCTTGAAAACGTGAAGCTCCAGCAGCCGCCGCAGGAA-3'
Protein context (NP_001136336.2, residues 815-835): FKLVALYTVW[Val825Met]ALKEVSVMNL

ClinVar aggregate classification (germline): Uncertain significance (1 of 4 stars; one submission).

Submission:

Mayo Clinic Laboratories, Mayo Clinic
Classification: Uncertain significance. Last evaluated: 2024-10-30. Review status: criteria provided, single submitter. Criteria: ACMG Guidelines, 2015. Collection method: clinical testing. Allele origin: germline. Observed: 1 variant allele.
Comment: PM2_supporting